The following is an entry in ClinVar:

ClinVar aggregate classification (germline): not provided (0 of 4 stars; one submission).

Conditions:
Familial long QT syndrome (RWS). Also called: Congenital long QT syndrome; Romano-Ward syndrome; VENTRICULAR FIBRILLATION WITH PROLONGED QT INTERVAL. Identifiers: Orphanet 768, MedGen C1141890, MONDO:0019171.

Submission:

Cardiovascular Biomedical Research Unit, Royal Brompton & Harefield NHS Foundation Trust
No classification provided. Condition: Familial long QT syndrome. Review status: no classification provided. Collection method: literature only. Allele origin: germline.
Comment: This variant has been reported as associated with Long QT syndrome in the following publications (PMID:11222472). This is a literature report, and does not necessarily reflect the clinical interpretation of the Imperial College / Royal Brompton Cardiovascular Genetics laboratory.

Literature cited by the submitters: PubMed 11222472; PubMed 22581653.

NM_000238.4(KCNH2):c.1724A>G (p.Glu575Gly)

Gene: KCNH2 (potassium voltage-gated channel subfamily H member 2; minus strand). Cytogenetic location: 7q36.1.
Variant type: single nucleotide variant.
Coding change: c.1724A>G on transcript NM_000238.4 (MANE Select); coding-DNA position 1724, A replaced by G.
Protein change: p.Glu575Gly; replaces glutamic acid 575 with glycine.
Molecular consequence: missense variant.
Genome position (GRCh38, 1-based): chr7:150,951,669, T>C on the plus strand (A>G on the coding strand, the complement: KCNH2 is on the minus strand). VCF-style: chr7-150951669-T-C. GRCh37 (hg19) VCF-style: chr7-150648757-T-C.
Other names: c.1724A>G (LRG_288t1); c.704A>G, p.Glu235Gly (NM_001204798.2, NM_172057.3); c.1436A>G, p.Glu479Gly (NM_001406753.1, NM_001406756.1); c.1547A>G, p.Glu516Gly (NM_001406755.1); c.1424A>G, p.Glu475Gly (NM_001406757.1); c.1724A>G, p.Glu575Gly (NM_172056.3); short protein forms E235G, E575G, E475G, E479G, E516G.
Identifiers: ClinVar variation 67253 (VCV000067253.3), dbSNP rs199473424, ClinGen allele CA005286.